The following is an entry in ClinVar:

NM_001371986.1(UNC80):c.3121G>A (p.Asp1041Asn)

Gene: UNC80 (unc-80 subunit of NALCN channel complex; plus strand). Cytogenetic location: 2q34.
Variant type: single nucleotide variant.
Coding change: c.3121G>A on transcript NM_001371986.1 (MANE Select); coding-DNA position 3121, G replaced by A.
Protein change: p.Asp1041Asn; replaces aspartic acid 1041 with asparagine.
Molecular consequence: missense variant.
Genome position (GRCh38, 1-based): chr2:209,839,301, G>A. VCF-style: chr2-209839301-G-A. GRCh37 (hg19) VCF-style: chr2-210704025-G-A.
Other names: c.3121G>A, p.Asp1041Asn (NM_032504.2); c.3106G>A, p.Asp1036Asn (NM_182587.4); short protein forms D1041N, D1036N.
Identifiers: ClinVar variation 2050835 (VCV002050835.4), dbSNP rs2471002246, ClinGen allele CA350412228.

ClinVar aggregate classification (germline): Uncertain significance (1 of 4 stars; one submission).

Submission:

Labcorp Genetics (formerly Invitae), Labcorp
Classification: Uncertain significance. Last evaluated: 2021-12-21. Review status: criteria provided, single submitter. Criteria: Invitae Variant Classification Sherloc (09022015). Collection method: clinical testing. Allele origin: germline.
Comment: This variant is not present in population databases (gnomAD no frequency). In summary, the available evidence is currently insufficient to determine the role of this variant in disease. Therefore, it has been classified as a Variant of Uncertain Significance. Algorithms developed to predict the effect of missense changes on protein structure and function are either unavailable or do not agree on the potential impact of this missense change (SIFT: "Not Available"; PolyPhen-2: "Probably Damaging"; Align-GVGD: "Not Available"). This variant has not been reported in the literature in individuals affected with UNC80-related conditions. This sequence change replaces aspartic acid, which is acidic and polar, with asparagine, which is neutral and polar, at codon 1041 of the UNC80 protein (p.Asp1041Asn).